The following is an entry in ClinVar:

ClinVar aggregate classification (germline): Conflicting classifications of pathogenicity. Review status: criteria provided, conflicting classifications (1 of 4 stars). 3 submissions from 3 submitters: Pathogenic (1); Likely pathogenic (1); Uncertain significance (1). Last evaluated 2025-12-29.

Conditions:
Mitochondrial complex I deficiency, nuclear type 3. Also called: Mitochondrial complex 1 deficiency, nuclear type 3. Identifiers: MedGen C4748752, MONDO:0032608, OMIM 618224.

Submissions (3):

Labcorp Genetics (formerly Invitae), Labcorp
Classification: Pathogenic. Last evaluated: 2025-12-29. Review status: criteria provided, single submitter. Criteria: Invitae Variant Classification Sherloc (09022015). Collection method: clinical testing. Allele origin: germline.
Comment: This sequence change creates a premature translational stop signal (p.Arg115Thrfs*3) in the NDUFS7 gene. It is expected to result in an absent or disrupted protein product. Loss-of-function variants in NDUFS7 are known to be pathogenic (PMID: 17604671) This variant is present in population databases (rs777504868, gnomAD 0.005%). This variant has not been reported in the literature in individuals affected with NDUFS7-related conditions. ClinVar contains an entry for this variant (Variation ID: 2957829). For these reasons, this variant has been classified as Pathogenic.

Fulgent Genetics
Classification: Likely pathogenic for Mitochondrial complex I deficiency, nuclear type 3. Last evaluated: 2024-06-16. Review status: criteria provided, single submitter. Criteria: ACMG Guidelines, 2015. Collection method: clinical testing. Allele origin: germline.

Blueprint Genetics
Classification: Uncertain significance. Last evaluated: 2023-06-01. Review status: criteria provided, single submitter. Criteria: ACMG Guidelines, 2015. Collection method: clinical testing. Allele origin: germline.

Literature cited by the submitters: PubMed 17604671 (cited by Labcorp Genetics (formerly Invitae), Labcorp).

NM_024407.5(NDUFS7):c.339_348del (p.Arg115fs)

Gene: NDUFS7 (NADH:ubiquinone oxidoreductase core subunit S7; plus strand). Cytogenetic location: 19p13.3.
Variant type: Deletion.
Coding change: c.339_348del on transcript NM_024407.5 (MANE Select); coding-DNA positions 339 to 348, 10 bases deleted (CCCGCGCCAG; older notation c.339_348delCCCGCGCCAG).
Protein change: p.Arg115fs; shifts the reading frame from arginine 115.
Molecular consequence: frameshift variant.
Genome position (GRCh38, 1-based): chr19:1,390,981-1,390,990, CCCGCGCCAG deleted; deleting any 10 consecutive bases within chr19:1,390,972-1,390,990 gives the same sequence; the c. name uses the placement nearest the transcript's 3' end. VCF-style (leftmost placement, unchanged base first): chr19-1390971-TCCGCGCCAGC-T. GRCh37 (hg19) VCF-style: chr19-1390970-TCCGCGCCAGC-T.
Other names: c.339_348del, p.Arg115fs (NM_001363602.2); short protein forms R115fs.
Identifiers: ClinVar variation 2957829 (VCV002957829.6), dbSNP rs777504868, ClinGen allele CA9043334.
Genomic context (GRCh38, chr19:1,390,971, plus strand): 5'-CCGTGGAGATGATGCACATGGCAGCACCCCGCTACGACATGGACCGCTTTGGCGTGGTCT[TCCGCGCCAGC>T]CCGCGCCAGTCCGACGTCATGATCGTGGCCGGCACACTCACCAACAAGATGGCCCCAGCG-3'